The following is an entry in ClinVar:

NM_000843.4(GRM6):c.712C>T (p.Arg238Ter)

Gene: GRM6 (glutamate metabotropic receptor 6; minus strand). Cytogenetic location: 5q35.3.
Variant type: single nucleotide variant.
Coding change: c.712C>T on transcript NM_000843.4 (MANE Select); coding-DNA position 712, C replaced by T.
Protein change: p.Arg238Ter; replaces arginine 238 with a stop codon.
Molecular consequence: nonsense.
Genome position (GRCh38, 1-based): chr5:178,991,876, G>A on the plus strand (C>T on the coding strand, the complement: GRM6 is on the minus strand). VCF-style: chr5-178991876-G-A. GRCh37 (hg19) VCF-style: chr5-178418877-G-A.
Other names: short protein forms R238*.
Identifiers: ClinVar variation 954215 (VCV000954215.10), dbSNP rs199663175, ClinGen allele CA3594458.

ClinVar aggregate classification (germline): Pathogenic. Review status: criteria provided, multiple submitters, no conflicts (2 of 4 stars). 2 submissions from 2 submitters: Pathogenic (2). Last evaluated 2025-06-14.

Conditions:
GRM6-related disorders.

Allele frequency attached by ClinVar (database versions not stated): TOPMed 0.00003; gnomAD exomes 0.00008 and 0.00012; ExAC 0.00012; gnomAD 0.00016 and 0.00018.
gnomAD v4.1: 142 of 1,613,384 alleles (0.0088%); highest among the groups gnomAD compares: Non-Finnish European, 0.0057%; no homozygotes.

Submissions (2):

Labcorp Genetics (formerly Invitae), Labcorp
Classification: Pathogenic. Last evaluated: 2025-06-14. Review status: criteria provided, single submitter. Criteria: Invitae Variant Classification Sherloc (09022015). Collection method: clinical testing. Allele origin: germline.
Comment: This sequence change creates a premature translational stop signal (p.Arg238*) in the GRM6 gene. It is expected to result in an absent or disrupted protein product. Loss-of-function variants in GRM6 are known to be pathogenic (PMID: 15781871, 16622103, 22008250). This variant is present in population databases (rs199663175, gnomAD 0.1%). This premature translational stop signal has been observed in individual(s) with clinical features of congenital stationary night blindness (PMID: 16622103, 22008250). ClinVar contains an entry for this variant (Variation ID: 954215). For these reasons, this variant has been classified as Pathogenic.

Blueprint Genetics
Classification: Pathogenic for GRM6-related disorders. Last evaluated: 2024-04-13. Review status: criteria provided, single submitter. Criteria: ACMG Guidelines, 2015. Collection method: clinical testing. Allele origin: germline. Affected: yes. Observed: 5 variant alleles.

Literature cited by the submitters: PubMed 15781871 (cited by Labcorp Genetics (formerly Invitae), Labcorp); PubMed 16622103 (cited by Labcorp Genetics (formerly Invitae), Labcorp); PubMed 22008250 (cited by Labcorp Genetics (formerly Invitae), Labcorp).